The following is an entry in ClinVar:

ClinVar aggregate classification (germline): Uncertain significance (1 of 4 stars; one submission).

Submission:

GeneDx
Classification: Uncertain significance. Last evaluated: 2024-04-27. Review status: criteria provided, single submitter. Criteria: GeneDx Variant Classification Process June 2021. Collection method: clinical testing. Allele origin: germline. Affected: yes.
Comment: Not observed at significant frequency in large population cohorts (gnomAD); In silico analysis indicates that this missense variant does not alter protein structure/function; Has not been previously published as pathogenic or benign to our knowledge

NM_001394998.1(TANC2):c.2564A>G (p.Lys855Arg)

Gene: TANC2 (tetratricopeptide repeat, ankyrin repeat and coiled-coil containing 2; plus strand). Cytogenetic location: 17q23.3.
Variant type: single nucleotide variant.
Coding change: c.2564A>G on transcript NM_001394998.1 (MANE Select); coding-DNA position 2564, A replaced by G.
Protein change: p.Lys855Arg; replaces lysine 855 with arginine.
Molecular consequence: missense variant.
Genome position (GRCh38, 1-based): chr17:63,355,372, A>G. VCF-style: chr17-63355372-A-G. GRCh37 (hg19) VCF-style: chr17-61432733-A-G.
Other names: c.2342A>G, p.Lys781Arg (NM_001411076.1, NM_025185.4); short protein forms K781R, K855R.
Identifiers: ClinVar variation 3373095 (VCV003373095.1).
Genomic context (GRCh38, chr17:63,355,372, plus strand): 5'-TGTTTGTACATCCTTCTTTTCGAGAATGGCTTATCTGGAGAGAAGAAGGAGAGAAAACCA[A>G]ATTTCTCTGTGATCCGAGGTAAGACATATATCTGTGATAAACAATTCTGAGTCTGTTTTC-3'
Protein context (NP_001381927.1, residues 845-865): LIWREEGEKT[Lys855Arg]FLCDPRSGHT